The following is an entry in ClinVar:

NM_006516.4(SLC2A1):c.325C>T (p.Leu109Phe)

Gene: SLC2A1 (solute carrier family 2 member 1; minus strand). Cytogenetic location: 1p34.2.
Variant type: single nucleotide variant.
Coding change: c.325C>T on transcript NM_006516.4 (MANE Select); coding-DNA position 325, C replaced by T.
Protein change: p.Leu109Phe; replaces leucine 109 with phenylalanine.
Molecular consequence: missense variant.
Genome position (GRCh38, 1-based): chr1:42,930,817, G>A on the plus strand (C>T on the coding strand, the complement: SLC2A1 is on the minus strand). VCF-style: chr1-42930817-G-A. GRCh37 (hg19) VCF-style: chr1-43396488-G-A.
Other names: short protein forms L109F.
Identifiers: ClinVar variation 1720635 (VCV001720635.6), dbSNP rs1436569888, ClinGen allele CA339961231.

ClinVar aggregate classification (germline): Uncertain significance (1 of 4 stars; one submission).

Conditions:
GLUT1 deficiency syndrome 1, autosomal recessive. Identifiers: MedGen C3149117.

Allele frequency attached by ClinVar (database versions not stated): gnomAD exomes below 0.00001.

Submission:

Labcorp Genetics (formerly Invitae), Labcorp
Classification: Uncertain significance for GLUT1 deficiency syndrome 1, autosomal recessive. Last evaluated: 2022-09-29. Review status: criteria provided, single submitter. Criteria: Invitae Variant Classification Sherloc (09022015). Collection method: clinical testing. Allele origin: germline.
Comment: This sequence change replaces leucine, which is neutral and non-polar, with phenylalanine, which is neutral and non-polar, at codon 109 of the SLC2A1 protein (p.Leu109Phe). This variant is not present in population databases (gnomAD no frequency). This variant has not been reported in the literature in individuals affected with SLC2A1-related conditions. Algorithms developed to predict the effect of missense changes on protein structure and function (SIFT, PolyPhen-2, Align-GVGD) all suggest that this variant is likely to be tolerated. In summary, the available evidence is currently insufficient to determine the role of this variant in disease. Therefore, it has been classified as a Variant of Uncertain Significance.